The following is an entry in ClinVar:

NM_017849.4(TMEM127):c.121A>C (p.Ile41Leu)

Genes: TMEM127 (transmembrane protein 127; minus strand), LOC129934333 (ATAC-STARR-seq lymphoblastoid silent region 11759; plus strand). Cytogenetic location: 2q11.2.
Variant type: single nucleotide variant.
Coding change: c.121A>C on transcript NM_017849.4 (MANE Select); coding-DNA position 121, A replaced by C.
Protein change: p.Ile41Leu; replaces isoleucine 41 with leucine.
Molecular consequence: missense variant. On other transcripts: intron variant (1).
Genome position (GRCh38, 1-based): chr2:96,265,261, T>G on the plus strand (A>C on the coding strand, the complement: TMEM127 is on the minus strand). VCF-style: chr2-96265261-T-G. GRCh37 (hg19) VCF-style: chr2-96930999-T-G.
Other names: c.121A>C, p.Ile41Leu (NM_001193304.3); c.-9+608A>C (NM_001407283.1); short protein forms I41L.
Identifiers: ClinVar variation 4185910 (VCV004185910.1).

ClinVar aggregate classification (germline): Uncertain significance (1 of 4 stars; one submission).

Conditions:
Hereditary cancer-predisposing syndrome. Also called: Neoplastic Syndromes, Hereditary; Tumor predisposition; Hereditary Cancer Syndrome; Hereditary neoplastic syndrome. Identifiers: Orphanet 140162, MedGen C0027672, MeSH D009386, MONDO:0015356.

Submission:

Ambry Genetics
Classification: Uncertain significance for Hereditary cancer-predisposing syndrome. Last evaluated: 2025-07-29. Review status: criteria provided, single submitter. Criteria: Ambry Variant Classification Scheme 2023. Collection method: clinical testing. Allele origin: germline.
Comment: The p.I41L variant (also known as c.121A>C), located in coding exon 1 of the TMEM127 gene, results from an A to C substitution at nucleotide position 121. The isoleucine at codon 41 is replaced by leucine, an amino acid with highly similar properties. This amino acid position is highly conserved in available vertebrate species. In addition, the in silico prediction for this alteration is inconclusive. Based on the available evidence, the clinical significance of this variant remains unclear.